The following is an entry in ClinVar:

ClinVar aggregate classification (germline): Uncertain significance. Review status: criteria provided, multiple submitters, no conflicts (2 of 4 stars). 2 submissions from 2 submitters: Uncertain significance (2). Last evaluated 2022-09-23.

Allele frequency attached by ClinVar (database versions not stated): ExAC below 0.00001; gnomAD exomes below 0.00001; TOPMed 0.00002; gnomAD 0.00004; ESP Exome Variant Server 0.00008.
gnomAD v4.1: 7 of 1,606,926 alleles (0.00044%); highest among the groups gnomAD compares: African/African-American, 0.008%; no homozygotes.

Submissions (2):

Labcorp Genetics (formerly Invitae), Labcorp
Classification: Uncertain significance. Last evaluated: 2022-09-23. Review status: criteria provided, single submitter. Criteria: Invitae Variant Classification Sherloc (09022015). Collection method: clinical testing. Allele origin: germline.
Comment: This sequence change replaces lysine, which is basic and polar, with asparagine, which is neutral and polar, at codon 147 of the FERMT1 protein (p.Lys147Asn). This variant is present in population databases (rs377153001, gnomAD 0.007%). This variant has not been reported in the literature in individuals affected with FERMT1-related conditions. ClinVar contains an entry for this variant (Variation ID: 450560). Advanced modeling of protein sequence and biophysical properties (such as structural, functional, and spatial information, amino acid conservation, physicochemical variation, residue mobility, and thermodynamic stability) performed at Invitae indicates that this missense variant is expected to disrupt FERMT1 protein function. In summary, the available evidence is currently insufficient to determine the role of this variant in disease. Therefore, it has been classified as a Variant of Uncertain Significance.

GeneDx
Classification: Uncertain significance. Last evaluated: 2017-07-18. Review status: criteria provided, single submitter. Criteria: GeneDx Variant Classification (06012015). Collection method: clinical testing. Allele origin: germline. Affected: yes.
Comment: The K147N variant in the FERMT1 gene has not been reported previously as a pathogenic variant, nor as a benign variant, to our knowledge. The K147N variant is not observed in large population cohorts (Lek et al., 2016; 1000 Genomes Consortium et al., 2015; Exome Variant Server). The K147N variant is a semi-conservative amino acid substitution, which may impact secondary protein structure as these residues differ in some properties. This substitution occurs at a position where amino acids with similar properties to Lysine are tolerated across species. In silico analysis is inconsistent in its predictions as to whether or not the variant is damaging to the protein structure/function. We interpret K147N as a variant of uncertain significance.

NM_017671.5(FERMT1):c.441G>T (p.Lys147Asn)

Gene: FERMT1 (FERM domain containing kindlin 1; minus strand). Cytogenetic location: 20p12.3.
Variant type: single nucleotide variant.
Coding change: c.441G>T on transcript NM_017671.5 (MANE Select); coding-DNA position 441, G replaced by T.
Protein change: p.Lys147Asn; replaces lysine 147 with asparagine.
Molecular consequence: missense variant.
Genome position (GRCh38, 1-based): chr20:6,112,568, C>A on the plus strand (G>T on the coding strand, the complement: FERMT1 is on the minus strand). VCF-style: chr20-6112568-C-A. GRCh37 (hg19) VCF-style: chr20-6093215-C-A.
Other names: short protein forms K147N.
Identifiers: ClinVar variation 450560 (VCV000450560.6), dbSNP rs377153001, ClinGen allele CA9758461.